The following is an entry in ClinVar:

NM_006946.4(SPTBN2):c.6513A>C (p.Ser2171=)

Gene: SPTBN2 (spectrin beta, non-erythrocytic 2; minus strand). Cytogenetic location: 11q13.2.
Variant type: single nucleotide variant.
Coding change: c.6513A>C on transcript NM_006946.4 (MANE Select); coding-DNA position 6513, A replaced by C.
Protein change: p.Ser2171=; no amino-acid change (serine 2171 retained).
Molecular consequence: synonymous variant.
Genome position (GRCh38, 1-based): chr11:66,687,636, T>G on the plus strand (A>C on the coding strand, the complement: SPTBN2 is on the minus strand). VCF-style: chr11-66687636-T-G. GRCh37 (hg19) VCF-style: chr11-66455107-T-G.
Identifiers: ClinVar variation 805371 (VCV000805371.6), dbSNP rs770250825, ClinGen allele CA6127874.

ClinVar aggregate classification (germline): Benign/Likely benign. Review status: criteria provided, multiple submitters, no conflicts (2 of 4 stars). 2 submissions from 2 submitters: Benign (1); Likely benign (1). Last evaluated 2025-09-16.

Allele frequency attached by ClinVar (database versions not stated): TOPMed below 0.00001; gnomAD exomes 0.00001 and 0.00002; ExAC 0.00002.
gnomAD v4.1: 6 of 1,597,088 alleles (0.00038%); highest among the groups gnomAD compares: Admixed American, 0.01%; no homozygotes.

Submissions (2):

Athena Diagnostics
Classification: Benign. Last evaluated: 2025-09-16. Review status: criteria provided, single submitter. Criteria: Athena Diagnostics Criteria. Collection method: clinical testing. Allele origin: unknown.
Comment: The frequency of this variant in the general population is higher than would generally be expected for pathogenic variants in this gene. Computational tools yielded predictions that this variant is unlikely to have an effect on normal RNA splicing. This nucleotide position exhibits low evolutionary conservation.

Labcorp Genetics (formerly Invitae), Labcorp
Classification: Likely benign. Last evaluated: 2022-10-18. Review status: criteria provided, single submitter. Criteria: Invitae Variant Classification Sherloc (09022015). Collection method: clinical testing. Allele origin: germline.